The following is an entry in ClinVar:

ClinVar aggregate classification (germline): Pathogenic. Review status: criteria provided, single submitter (1 of 4 stars). 2 submissions from 2 submitters: Pathogenic (1). 1 of the submissions does not count toward it. Last evaluated 2022-09-27.

Conditions:
Cryopyrin associated periodic syndrome (CAPS). Identifiers: Orphanet 208650, MedGen C2316212, MONDO:0016168.
Familial cold autoinflammatory syndrome 1 (FCAS1). Also called: Familial cold inflammatory syndrome 1; CRYOPYRIN-ASSOCIATED PERIODIC SYNDROME 1. Identifiers: Orphanet 47045, MedGen C4551895, MONDO:0007349, OMIM 120100.

Submissions (2):

Labcorp Genetics (formerly Invitae), Labcorp
Classification: Pathogenic for Cryopyrin associated periodic syndrome. Last evaluated: 2022-09-27. Review status: criteria provided, single submitter. Criteria: Invitae Variant Classification Sherloc (09022015). Collection method: clinical testing. Allele origin: germline.
Comment: For these reasons, this variant has been classified as Pathogenic. This variant disrupts the p.Asp305 amino acid residue in NLRP3. Other variant(s) that disrupt this residue have been determined to be pathogenic (PMID: 11992256, 24365011, 24773462, 25766347, 26590045). This suggests that this residue is clinically significant, and that variants that disrupt this residue are likely to be disease-causing. Advanced modeling of protein sequence and biophysical properties (such as structural, functional, and spatial information, amino acid conservation, physicochemical variation, residue mobility, and thermodynamic stability) performed at Invitae indicates that this missense variant is expected to disrupt NLRP3 protein function. ClinVar contains an entry for this variant (Variation ID: 97980). This variant is also known as p.D303G or p.Asp303Gly. This missense change has been observed in individual(s) with NLRP3-related conditions (PMID: 14630794, 33020839, 34099780). In at least one individual the variant was observed to be de novo. This variant is not present in population databases (gnomAD no frequency). This sequence change replaces aspartic acid, which is acidic and polar, with glycine, which is neutral and non-polar, at codon 305 of the NLRP3 protein (p.Asp305Gly).

Unité médicale des maladies autoinflammatoires, CHRU Montpellier
No classification provided. Condition: Familial cold urticaria. Review status: no classification provided. Collection method: not provided. Allele origin: unknown. Not counted in ClinVar's aggregate classification.
Comment: also involved in OMIM 191900 and 607115

Literature cited by the submitters: PubMed 11992256 (cited by Labcorp Genetics (formerly Invitae), Labcorp); PubMed 24365011 (cited by Labcorp Genetics (formerly Invitae), Labcorp); PubMed 24773462 (cited by Labcorp Genetics (formerly Invitae), Labcorp); PubMed 25766347 (cited by Labcorp Genetics (formerly Invitae), Labcorp); PubMed 26590045 (cited by Labcorp Genetics (formerly Invitae), Labcorp); PubMed 14630794 (cited by Labcorp Genetics (formerly Invitae), Labcorp); PubMed 33020839 (cited by Labcorp Genetics (formerly Invitae), Labcorp); PubMed 34099780 (cited by Labcorp Genetics (formerly Invitae), Labcorp).

NM_001243133.2(NLRP3):c.908A>G (p.Asp303Gly)

Gene: NLRP3 (NLR family pyrin domain containing 3; plus strand). Cytogenetic location: 1q44.
Variant type: single nucleotide variant.
Coding change: c.908A>G on transcript NM_001243133.2 (MANE Select); coding-DNA position 908, A replaced by G.
Protein change: p.Asp303Gly; replaces aspartic acid 303 with glycine.
Molecular consequence: missense variant.
Genome position (GRCh38, 1-based): chr1:247,424,357, A>G. VCF-style: chr1-247424357-A-G. GRCh37 (hg19) VCF-style: chr1-247587659-A-G.
Other names: c.908A>G, p.Asp303Gly (NM_001079821.3, NM_001127461.3, NM_001127462.3 and 1 more transcripts); c.914A>G, p.Asp305Gly (NM_004895.5); short protein forms D305G, D303G.
Identifiers: ClinVar variation 97980 (VCV000097980.5), dbSNP rs180177447, ClinGen allele CA281395.